The following is an entry in ClinVar:

ClinVar aggregate classification (germline): Uncertain significance (1 of 4 stars; one submission).

Submission:

GeneDx
Classification: Uncertain significance. Last evaluated: 2025-01-16. Review status: criteria provided, single submitter. Criteria: GeneDx Variant Classification Process June 2021. Collection method: clinical testing. Allele origin: germline. Affected: yes.
Comment: Not observed at significant frequency in large population cohorts (gnomAD); In silico analysis indicates that this missense variant does not alter protein structure/function; Has not been previously published as pathogenic or benign to our knowledge

NM_005898.5(CAPRIN1):c.236A>G (p.Gln79Arg)

Gene: CAPRIN1 (cell cycle associated protein 1; plus strand). Cytogenetic location: 11p13.
Variant type: single nucleotide variant.
Coding change: c.236A>G on transcript NM_005898.5 (MANE Select); coding-DNA position 236, A replaced by G.
Protein change: p.Gln79Arg; replaces glutamine 79 with arginine.
Molecular consequence: missense variant.
Genome position (GRCh38, 1-based): chr11:34,071,745, A>G. VCF-style: chr11-34071745-A-G. GRCh37 (hg19) VCF-style: chr11-34093292-A-G.
Other names: c.236A>G, p.Gln79Arg (NM_203364.3); short protein forms Q79R.
Identifiers: ClinVar variation 4070765 (VCV004070765.1).